The following is an entry in ClinVar:

NM_007294.4(BRCA1):c.211A>C (p.Arg71=)

Gene: BRCA1 (BRCA1 DNA repair associated; minus strand). Cytogenetic location: 17q21.31.
Variant type: single nucleotide variant.
Coding change: c.211A>C on transcript NM_007294.4 (MANE Select); coding-DNA position 211, A replaced by C.
Protein change: p.Arg71=; no amino-acid change (arginine 71 retained).
Molecular consequence: synonymous variant. On other transcripts: intron variant (95).
Genome position (GRCh38, 1-based): chr17:43,106,457, T>G on the plus strand (A>C on the coding strand, the complement: BRCA1 is on the minus strand). VCF-style: chr17-43106457-T-G. GRCh37 (hg19) VCF-style: chr17-41258474-T-G.
Other names: c.70A>C, p.Arg24= (NM_001408458.1, NM_001408459.1, NM_001408460.1 and 99 more transcripts); c.211A>C, p.Arg71= (NM_001408472.1, NM_001408473.1, NM_001408494.1 and 168 more transcripts); c.-218-11597A>C (NM_001407967.1, NM_001407966.1); c.-169-1501A>C (NM_001407959.1, NM_001407962.1, NM_001408512.1 and 4 more transcripts); c.2+21A>C (NM_001407885.1, NM_001407886.1, NM_001407898.1 and 58 more transcripts); c.81-1501A>C (NM_001408451.1); c.135-1501A>C (NM_001408475.1, NM_001407875.1, NM_001407659.1 and 21 more transcripts).
Identifiers: ClinVar variation 867339 (VCV000867339.6), dbSNP rs80357382, ClinGen allele CA500128073.

ClinVar aggregate classification (germline): Conflicting classifications of pathogenicity. Review status: criteria provided, conflicting classifications (1 of 4 stars). 2 submissions from 2 submitters: Likely pathogenic (1); Uncertain significance (1). Last evaluated 2026-08-27.

Conditions:
Hereditary cancer-predisposing syndrome. Also called: Tumor predisposition; Hereditary neoplastic syndrome; Neoplastic Syndromes, Hereditary; Hereditary Cancer Syndrome. Identifiers: Orphanet 140162, MedGen C0027672, MeSH D009386, MONDO:0015356.

Submissions (3):

Ambry Genetics
Classification: Likely pathogenic for Hereditary cancer-predisposing syndrome. Last evaluated: 2026-08-27. Review status: criteria provided, single submitter. Criteria: Ambry Variant Classification Scheme 2023. Collection method: clinical testing. Allele origin: germline.
Comment: The c.211A>C variant (also known as p.R71R), located in coding exon 3 of the BRCA1 gene, results from an A to C substitution at nucleotide position 211. This nucleotide substitution does not change the amino acid at codon 71. One functional study found that this nucleotide substitution is non-functional in a high throughput genome editing haploid cell survival assay (Findlay GM et al. Nature, 2018 Oct;562:217-222). This nucleotide position is highly conserved in available vertebrate species. In silico splice site analysis predicts that this alteration will weaken the native splice donor site; however, direct evidence is insufficient at this time (Ambry internal data). This variant is considered to be rare based on population cohorts in the Genome Aggregation Database (gnomAD). Based on the majority of available evidence to date, this variant is likely to be pathogenic.

GeneDx
Classification: Uncertain significance. Last evaluated: 2021-06-10. Review status: criteria provided, single submitter. Criteria: GeneDx Variant Classification Process June 2021. Collection method: clinical testing. Allele origin: germline. Affected: yes.
Comment: Not observed at significant frequency in large population cohorts (Lek 2016); In silico analysis supports a deleterious effect on splicing; Published functional studies report variant classified as non-functional based on a saturation genome editing (SGE) assay measuring cell survival (Findlay 2018); Also known as 330A>C; This variant is associated with the following publications: (PMID: 30209399)

Brotman Baty Institute, University of Washington
No classification provided (evidence only). Condition: Breast-ovarian cancer, familial 1. Review status: no classification provided. Collection method: in vitro. Allele origin: not applicable. Functional consequence: functionally_abnormal. Not counted in ClinVar's aggregate classification.
ClinVar note: "not provided" was previously submitted as the classification for the variant. However, the classification appeared to be based only on an observation of functional data so it was converted to no classification on 2025-07-30.

Literature cited by the submitters: PubMed 30209399 (cited by Ambry Genetics).